The following is an entry in ClinVar:

ClinVar aggregate classification (germline): Conflicting classifications of pathogenicity. Review status: criteria provided, conflicting classifications (1 of 4 stars). 10 submissions from 10 submitters: Uncertain significance (1); Benign (4); Likely benign (4). 1 of the submissions does not count toward it. Last evaluated 2026-01-24.

Conditions:
KCNT1-related disorder. Also called: KCNT1-related condition.
Inborn genetic diseases. Identifiers: MedGen C0950123, MeSH D030342.
Developmental and epileptic encephalopathy, 14 (DEE14). Also called: Early infantile epileptic encephalopathy 14. Identifiers: Orphanet 293181, MedGen C3554195, MONDO:0013989, OMIM 614959.
Autosomal dominant nocturnal frontal lobe epilepsy 5. Also called: CILIARY DYSKINESIA, PRIMARY, 28, WITHOUT SITUS INVERSUS; Epilepsy, nocturnal frontal lobe, 5; KCNT1-Related Epilepsy; CILIARY DYSKINESIA, PRIMARY, 28, WITH SITUS INVERSUS. Identifiers: Orphanet 98784, MedGen C3554306, MONDO:0014002, OMIM 615005.

Allele frequency attached by ClinVar (database versions not stated): 1000 Genomes Project 0.00020; 1000 Genomes Project 30x 0.00031; ExAC 0.00032; gnomAD exomes 0.00037; TOPMed 0.00073; gnomAD 0.00074 and 0.00075; ESP Exome Variant Server 0.00077.
gnomAD v4.1: 837 of 1,613,626 alleles (0.052%); highest among the groups gnomAD compares: Middle Eastern, 0.17%; 2 homozygotes.

Submissions (10):

Labcorp Genetics (formerly Invitae), Labcorp
Classification: Likely benign for Autosomal dominant nocturnal frontal lobe epilepsy 5; Developmental and epileptic encephalopathy, 14. Last evaluated: 2026-01-24. Review status: criteria provided, single submitter. Criteria: Invitae Variant Classification Sherloc (09022015). Collection method: clinical testing. Allele origin: germline.

CeGaT Center for Human Genetics Tuebingen
Classification: Likely benign. Last evaluated: 2025-12-01. Review status: criteria provided, single submitter. Criteria: CeGaT Center For Human Genetics Tuebingen Variant Classification Criteria Version 2. Collection method: clinical testing. Allele origin: germline. Affected: yes. Observed: 4 variant alleles.
Comment: KCNT1: BP4, BP7

ARUP Laboratories, Molecular Genetics and Genomics, ARUP Laboratories
Classification: Benign. Last evaluated: 2024-09-16. Review status: criteria provided, single submitter. Criteria: ARUP Molecular Germline Variant Investigation Process 2024. Collection method: clinical testing. Allele origin: germline.

Blueprint Genetics
Classification: Likely benign. Last evaluated: 2024-09-09. Review status: criteria provided, single submitter. Criteria: ACMG Guidelines, 2015. Collection method: clinical testing. Allele origin: germline.

Mayo Clinic Laboratories, Mayo Clinic
Classification: Benign. Last evaluated: 2023-09-18. Review status: criteria provided, single submitter. Criteria: ACMG Guidelines, 2015. Collection method: clinical testing. Allele origin: germline. Observed: 3 variant alleles.
Comment: BS1, BS2, BP4, BP7

Ambry Genetics
Classification: Benign for Inborn genetic diseases. Last evaluated: 2020-10-02. Review status: criteria provided, single submitter. Criteria: Ambry Variant Classification Scheme 2023. Collection method: clinical testing. Allele origin: germline.

GeneDx
Classification: Likely benign. Last evaluated: 2020-03-17. Review status: criteria provided, single submitter. Criteria: GeneDx Variant Classification Process June 2021. Collection method: clinical testing. Allele origin: germline. Affected: yes.

Athena Diagnostics
Classification: Benign. Last evaluated: 2018-05-31. Review status: criteria provided, single submitter. Criteria: Athena Diagnostics Criteria. Collection method: clinical testing. Allele origin: germline.

Eurofins Ntd Llc (ga)
Classification: Uncertain significance. Last evaluated: 2015-04-16. Review status: criteria provided, single submitter. Criteria: EGL Classification Definitions 2015. Collection method: clinical testing. Allele origin: germline. Observed: 1 variant allele, 1 heterozygote.

PreventionGenetics, part of Exact Sciences
Classification: Likely benign for KCNT1-related condition. Last evaluated: 2019-09-04. Review status: no assertion criteria provided. Collection method: clinical testing. Allele origin: germline. Not counted in ClinVar's aggregate classification.
Comment: This variant is classified as likely benign based on ACMG/AMP sequence variant interpretation guidelines (Richards et al. 2015 PMID: 25741868, with internal and published modifications).

NM_020822.3(KCNT1):c.942C>T (p.Thr314=)

Gene: KCNT1 (potassium sodium-activated channel subfamily T member 1; plus strand). Cytogenetic location: 9q34.3.
Variant type: single nucleotide variant.
Coding change: c.942C>T on transcript NM_020822.3 (MANE Select); coding-DNA position 942, C replaced by T.
Protein change: p.Thr314=; no amino-acid change (threonine 314 retained).
Molecular consequence: synonymous variant.
Genome position (GRCh38, 1-based): chr9:135,759,766, C>T. VCF-style: chr9-135759766-C-T. GRCh37 (hg19) VCF-style: chr9-138651612-C-T.
Other names: p.Thr314=; c.807C>T, p.Thr269= (NM_001272003.2).
Identifiers: ClinVar variation 193921 (VCV000193921.41), dbSNP rs144766991, ClinGen allele CA239653.